The following is an entry in ClinVar:

ClinVar aggregate classification (germline): Uncertain significance (1 of 4 stars; one submission).

Conditions:
ACACB-related disorder. Also called: ACACB-related condition.

gnomAD v4.1: 5 of 1,612,498 alleles (0.00031%); highest among the groups gnomAD compares: Non-Finnish European, 0.00042%; no homozygotes.

Submission:

PreventionGenetics, part of Exact Sciences
Classification: Uncertain significance for ACACB-related condition. Last evaluated: 2025-11-26. Review status: criteria provided, single submitter. Criteria: ACMG Guidelines, 2015. Collection method: clinical testing. Allele origin: germline.
Comment: The ACACB c.11T>C variant is predicted to result in the amino acid substitution p.Leu4Pro. To our knowledge, this variant has not been reported in the literature. This variant is reported in 0.00088% of alleles in individuals of European (Non-Finnish) descent in gnomAD. At this time, the clinical significance of this variant is uncertain due to the absence of conclusive functional and genetic evidence.

NM_001093.4(ACACB):c.11T>C (p.Leu4Pro)

Gene: ACACB (acetyl-CoA carboxylase beta; plus strand). Cytogenetic location: 12q24.11.
Variant type: single nucleotide variant.
Coding change: c.11T>C on transcript NM_001093.4 (MANE Select); coding-DNA position 11, T replaced by C.
Protein change: p.Leu4Pro; replaces leucine 4 with proline.
Molecular consequence: missense variant. On other transcripts: intron variant (1).
Genome position (GRCh38, 1-based): chr12:109,139,416, T>C. VCF-style: chr12-109139416-T-C. GRCh37 (hg19) VCF-style: chr12-109577221-T-C.
Other names: c.11T>C, p.Leu4Pro (NM_001412734.1, NM_001412735.1); c.26+26001T>C (NM_001412737.1); short protein forms L4P.
Identifiers: ClinVar variation 4987806 (VCV004987806.1).